The following is an entry in ClinVar:

NM_145045.5(ODAD3):c.75del (p.Arg26fs)

Gene: ODAD3 (outer dynein arm docking complex subunit 3; minus strand). Cytogenetic location: 19p13.2.
Variant type: Deletion.
Coding change: c.75del on transcript NM_145045.5 (MANE Select); coding-DNA position 75, one base deleted (C; older notation c.75delC).
Protein change: p.Arg26fs; shifts the reading frame from arginine 26.
Molecular consequence: frameshift variant. On other transcripts: intron variant (1).
Genome position (GRCh38, 1-based): chr19:11,434,942, G deleted on the plus strand (C on the coding strand, the reverse complement: ODAD3 is on the minus strand); the first of 2 consecutive G bases (chr19:11,434,942-11,434,943); deleting either gives the same sequence. VCF-style (leftmost placement, unchanged base first): chr19-11434941-TG-T. GRCh37 (hg19) VCF-style: chr19-11545762-TG-T.
Other names: c.75del, p.Arg26fs (NM_001302454.2); c.82+748del (NM_001302453.1); short protein forms R26fs.
Identifiers: ClinVar variation 1012312 (VCV001012312.3), dbSNP rs1368294758, ClinGen allele CA632117360.

ClinVar aggregate classification (germline): Pathogenic. Review status: criteria provided, multiple submitters, no conflicts (2 of 4 stars). 2 submissions from 2 submitters: Pathogenic (2). Last evaluated 2020-12-20.

Conditions:
Primary ciliary dyskinesia 30. Also called: CILIARY DYSKINESIA, PRIMARY, 30, WITH OR WITHOUT SITUS INVERSUS. Identifiers: Orphanet 244, MedGen C4015016, MONDO:0014465, OMIM 616037.

Submissions (2):

Beijing Key Laboratry for Genetics of Birth Defects, Beijing Children's Hospital
Classification: Pathogenic for Primary ciliary dyskinesia 30. Last evaluated: 2020-12-20. Review status: criteria provided, single submitter. Criteria: ACMG Guidelines, 2015. Collection method: clinical testing. Allele origin: germline. Affected: yes. Observed: 1 variant allele.

Juno Genomics, Hangzhou Juno Genomics, Inc
Classification: Pathogenic for Primary ciliary dyskinesia 30. Review status: criteria provided, single submitter. Criteria: ACMG Guidelines, 2015. Collection method: clinical testing. Allele origin: germline. Affected: yes.
Comment: Absent from controls (or at extremely low frequency if recessive) in Genome Aggregation Database.;Null variant in a gene where loss of function (LOF) is a known mechanism of disease.;For recessive disorders, detected in trans with a pathogenic variant.